The following is an entry in ClinVar:

NM_000254.3(MTR):c.194G>A (p.Gly65Asp)

Gene: MTR (5-methyltetrahydrofolate-homocysteine methyltransferase; plus strand). Cytogenetic location: 1q43.
Variant type: single nucleotide variant.
Coding change: c.194G>A on transcript NM_000254.3 (MANE Select); coding-DNA position 194, G replaced by A.
Protein change: p.Gly65Asp; replaces glycine 65 with aspartic acid.
Molecular consequence: missense variant. On other transcripts: 5 prime UTR variant (1).
Genome position (GRCh38, 1-based): chr1:236,803,587, G>A. VCF-style: chr1-236803587-G-A. GRCh37 (hg19) VCF-style: chr1-236966887-G-A.
Other names: c.194G>A, p.Gly65Asp (NM_001291939.1, NM_001410942.1); c.-915G>A (NM_001291940.2); short protein forms G65D.
Identifiers: ClinVar variation 2008687 (VCV002008687.4), dbSNP rs1463533327, ClinGen allele CA345379983.

ClinVar aggregate classification (germline): Uncertain significance (1 of 4 stars; one submission).

Conditions:
Methylcobalamin deficiency type cblG (HMAG). Also called: HOMOCYSTINURIA-MEGALOBLASTIC ANEMIA, cblG COMPLEMENTATION TYPE; HOMOCYSTINURIA-MEGALOBLASTIC ANEMIA DUE TO DEFECT IN COBALAMIN METABOLISM, cblG COMPLEMENTATION TYPE; Functional methionine synthase deficiency type cblG; HOMOCYSTINURIA-MEGALOBLASTIC ANEMIA, cblG TYPE. Identifiers: Orphanet 2170, Orphanet 622, MedGen C1855128, MONDO:0009609, OMIM 250940.

Allele frequency attached by ClinVar (database versions not stated): gnomAD exomes below 0.00001.
gnomAD v4.1: 1 of 1,614,124 alleles (0.000062%); highest among the groups gnomAD compares: Admixed American, 0.0017%; no homozygotes.

Submission:

Labcorp Genetics (formerly Invitae), Labcorp
Classification: Uncertain significance for Methylcobalamin deficiency type cblG. Last evaluated: 2022-06-20. Review status: criteria provided, single submitter. Criteria: Invitae Variant Classification Sherloc (09022015). Collection method: clinical testing. Allele origin: germline.
Comment: In summary, the available evidence is currently insufficient to determine the role of this variant in disease. Therefore, it has been classified as a Variant of Uncertain Significance. Algorithms developed to predict the effect of missense changes on protein structure and function are either unavailable or do not agree on the potential impact of this missense change (SIFT: "Deleterious"; PolyPhen-2: "Probably Damaging"; Align-GVGD: "Class C0"). This variant has not been reported in the literature in individuals affected with MTR-related conditions. This variant is present in population databases (no rsID available, gnomAD 0.003%). This sequence change replaces glycine, which is neutral and non-polar, with aspartic acid, which is acidic and polar, at codon 65 of the MTR protein (p.Gly65Asp).